The following is an entry in ClinVar:

ClinVar aggregate classification (germline): Uncertain significance. Review status: criteria provided, multiple submitters, no conflicts (2 of 4 stars). 2 submissions from 2 submitters: Uncertain significance (2). Last evaluated 2025-01-27.

Conditions:
Neuronopathy, distal hereditary motor, autosomal recessive 4. Also called: NEUROPATHY, DISTAL HEREDITARY MOTOR, AUTOSOMAL RECESSIVE 4; Autosomal recessive lower motor neuron disease with childhood onset. Identifiers: Orphanet 206580, MedGen C1970211, MONDO:0012608, OMIM 611067.
Charcot-Marie-Tooth disease recessive intermediate C. Also called: CHARCOT-MARIE-TOOTH NEUROPATHY, RECESSIVE INTERMEDIATE C. Identifiers: Orphanet 369867, MedGen C3809309, MONDO:0014154, OMIM 615376.

Allele frequency attached by ClinVar (database versions not stated): gnomAD exomes below 0.00001; TOPMed below 0.00001; gnomAD 0.00001.
gnomAD v4.1: 2 of 1,609,184 alleles (0.00012%); highest among the groups gnomAD compares: Admixed American, 0.0034%; no homozygotes.

Submissions (2):

Women's Health and Genetics/Laboratory Corporation of America, LabCorp
Classification: Uncertain significance. Last evaluated: 2025-01-27. Review status: criteria provided, single submitter. Criteria: LabCorp Variant Classification Summary - May 2015. Collection method: clinical testing. Allele origin: germline.

Labcorp Genetics (formerly Invitae), Labcorp
Classification: Uncertain significance for Neuronopathy, distal hereditary motor, autosomal recessive 4; Charcot-Marie-Tooth disease recessive intermediate C. Last evaluated: 2019-05-03. Review status: criteria provided, single submitter. Criteria: Invitae Variant Classification Sherloc (09022015). Collection method: clinical testing. Allele origin: germline.
Comment: This sequence change falls in intron 11 of the PLEKHG5 gene. It does not directly change the encoded amino acid sequence of the PLEKHG5 protein, but it affects a nucleotide within the consensus splice site of the intron. This variant is not present in population databases (ExAC no frequency). This variant has not been reported in the literature in individuals with PLEKHG5-related conditions. Nucleotide substitutions within the consensus splice site are a relatively common cause of aberrant splicing (PMID: 17576681, 9536098). Algorithms developed to predict the effect of sequence changes on RNA splicing suggest that this variant may disrupt the consensus splice site, but this prediction has not been confirmed by published transcriptional studies. In summary, the available evidence is currently insufficient to determine the role of this variant in disease. Therefore, it has been classified as a Variant of Uncertain Significance.

Literature cited by the submitters: PubMed 17576681 (cited by Labcorp Genetics (formerly Invitae), Labcorp); PubMed 9536098 (cited by Labcorp Genetics (formerly Invitae), Labcorp).

NM_020631.6(PLEKHG5):c.1131+5G>T

Gene: PLEKHG5 (pleckstrin homology and RhoGEF domain containing G5; minus strand). Cytogenetic location: 1p36.31.
Variant type: single nucleotide variant.
Coding change: c.1131+5G>T on transcript NM_020631.6 (MANE Select); 5 bases into the intron after coding-DNA position 1131, G replaced by T.
Molecular consequence: intron variant.
Genome position (GRCh38, 1-based): chr1:6,471,753, C>A on the plus strand (G>T on the coding strand, the complement: PLEKHG5 is on the minus strand). VCF-style: chr1-6471753-C-A. GRCh37 (hg19) VCF-style: chr1-6531813-C-A.
Other names: c.1131+5G>T (NM_001265594.3, NM_001042664.2, NM_001042665.2 and 1 more transcripts); c.1242+5G>T (NM_001042663.3, NM_001265592.2); c.1338+5G>T (NM_001265593.2).
Identifiers: ClinVar variation 951309 (VCV000951309.7), dbSNP rs1293986972, ClinGen allele CA520765793.
Genomic context (GRCh38, chr1:6,471,753, plus strand): 5'-CCAGGTCCAGGTCCCGCCCTCCTTCCTGGTACCTCACCCGCCGCCGCCCCCGAATCCCAG[C>A]GCACCTCACACAGCAGCCCTGACTCTTGCAGGTTCAGGAGGCAGCACAGGAACAGCTGTG-3'